The following is an entry in ClinVar:

ClinVar aggregate classification (germline): Likely pathogenic (1 of 4 stars; one submission).

Conditions:
Hereditary spastic paraplegia 11. Also called: Spastic Paraplegia 11; Spastic paraplegia, mental retardation and thin corpus callosum; Nakamura Osame syndrome; Autosomal recessive hereditary spastic paraplegia, mental impairment, and thin corpus callosum; SPASTIC PARAPLEGIA, AUTOSOMAL RECESSIVE, COMPLICATED, WITH THIN CORPUS CALLOSUM; SPASTIC PARAPLEGIA, AUTOSOMAL RECESSIVE, WITH MENTAL IMPAIRMENT AND THIN CORPUS CALLOSUM. Identifiers: Orphanet 2822, MedGen C1858479, MONDO:0011445, OMIM 604360.

Submission:

Labcorp Genetics (formerly Invitae), Labcorp
Classification: Likely pathogenic for Hereditary spastic paraplegia 11. Last evaluated: 2024-01-24. Review status: criteria provided, single submitter. Criteria: Invitae Variant Classification Sherloc (09022015). Collection method: clinical testing. Allele origin: germline.
Comment: This sequence change affects an acceptor splice site in intron 28 of the SPG11 gene. It is expected to disrupt RNA splicing. Variants that disrupt the donor or acceptor splice site typically lead to a loss of protein function (PMID: 16199547), and loss-of-function variants in SPG11 are known to be pathogenic (PMID: 19105190, 20110243, 22154821, 26556829). This variant is not present in population databases (gnomAD no frequency). This variant has not been reported in the literature in individuals affected with SPG11-related conditions. Algorithms developed to predict the effect of sequence changes on RNA splicing suggest that this variant may disrupt the consensus splice site. In summary, the currently available evidence indicates that the variant is pathogenic, but additional data are needed to prove that conclusively. Therefore, this variant has been classified as Likely Pathogenic.

Literature cited by the submitters: PubMed 16199547; PubMed 19105190; PubMed 20110243; PubMed 22154821; PubMed 26556829.

NM_025137.4(SPG11):c.4907-2A>C

Gene: SPG11 (SPG11 vesicle trafficking associated, spatacsin; minus strand). Cytogenetic location: 15q21.1.
Variant type: single nucleotide variant.
Coding change: c.4907-2A>C on transcript NM_025137.4 (MANE Select); the canonical splice acceptor site of the intron before coding-DNA position 4907, A replaced by C.
Molecular consequence: splice acceptor variant.
Genome position (GRCh38, 1-based): chr15:44,585,852, T>G on the plus strand (A>C on the coding strand, the complement: SPG11 is on the minus strand). VCF-style: chr15-44585852-T-G. GRCh37 (hg19) VCF-style: chr15-44878050-T-G.
Other names: c.4907-2A>C (NM_001411132.1, NM_001160227.2).
Identifiers: ClinVar variation 2867611 (VCV002867611.3), dbSNP rs2505302482, ClinGen allele CA392223744.